The following is an entry in ClinVar:

ClinVar aggregate classification (germline): Uncertain significance (1 of 4 stars; one submission).

Conditions:
EVC2-related disorder. Also called: EVC2-related condition.

Submission:

3billion
Classification: Uncertain significance for EVC2-related disorder. Last evaluated: 2025-08-13. Review status: criteria provided, single submitter. Criteria: ACMG Guidelines, 2015. Collection method: clinical testing. Allele origin: germline. Affected: yes.
Comment: The variant is not observed in the gnomAD v4.1.0 dataset. Predicted Consequence/Location: Intron variant In silico tools predict the variant to alter splicing and produce an abnormal transcript [SpliceAI: 0.82 (>=0.2, moderate evidence for spliceogenicity)]. Therefore, this variant is classified as VUS according to the recommendation of ACMG/AMP guideline.

NM_147127.5(EVC2):c.229-3T>G

Gene: EVC2 (EvC ciliary complex subunit 2; minus strand). Cytogenetic location: 4p16.2.
Variant type: single nucleotide variant.
Coding change: c.229-3T>G on transcript NM_147127.5 (MANE Select); 3 bases into the intron before coding-DNA position 229, T replaced by G.
Molecular consequence: intron variant.
Genome position (GRCh38, 1-based): chr4:5,697,650, A>C on the plus strand (T>G on the coding strand, the complement: EVC2 is on the minus strand). VCF-style: chr4-5697650-A-C. GRCh37 (hg19) VCF-style: chr4-5699377-A-C.
Other names: c.-12-3T>G (NM_001166136.2).
Identifiers: ClinVar variation 4854558 (VCV004854558.1).